The following is an entry in ClinVar:

ClinVar aggregate classification (germline): Uncertain significance (1 of 4 stars; one submission).

Conditions:
Osteogenesis imperfecta type 8 (OI8). Identifiers: MedGen C1970458, MONDO:0012581, OMIM 610915.

Allele frequency attached by ClinVar (database versions not stated): ExAC 0.00001; gnomAD exomes 0.00001; TOPMed 0.00002.
gnomAD v4.1: 14 of 1,614,144 alleles (0.00087%); highest among the groups gnomAD compares: East Asian, 0.027%; 1 homozygote.

Submission:

Labcorp Genetics (formerly Invitae), Labcorp
Classification: Uncertain significance for Osteogenesis imperfecta type 8. Last evaluated: 2025-07-07. Review status: criteria provided, single submitter. Criteria: Invitae Variant Classification Sherloc (09022015). Collection method: clinical testing. Allele origin: germline.
Comment: This sequence change replaces glutamic acid, which is acidic and polar, with alanine, which is neutral and non-polar, at codon 218 of the P3H1 protein (p.Glu218Ala). This variant is present in population databases (rs753716259, gnomAD 0.02%). This variant has not been reported in the literature in individuals affected with P3H1-related conditions. ClinVar contains an entry for this variant (Variation ID: 1434354). An algorithm developed to predict the effect of missense changes on protein structure and function (PolyPhen-2) suggests that this variant is likely to be tolerated. In summary, the available evidence is currently insufficient to determine the role of this variant in disease. Therefore, it has been classified as a Variant of Uncertain Significance.

NM_022356.4(P3H1):c.653A>C (p.Glu218Ala)

Gene: P3H1 (prolyl 3-hydroxylase 1; minus strand). Cytogenetic location: 1p34.2.
Variant type: single nucleotide variant.
Coding change: c.653A>C on transcript NM_022356.4 (MANE Select); coding-DNA position 653, A replaced by C.
Protein change: p.Glu218Ala; replaces glutamic acid 218 with alanine.
Molecular consequence: missense variant.
Genome position (GRCh38, 1-based): chr1:42,759,356, T>G on the plus strand (A>C on the coding strand, the complement: P3H1 is on the minus strand). VCF-style: chr1-42759356-T-G. GRCh37 (hg19) VCF-style: chr1-43225027-T-G.
Other names: c.653A>C, p.Glu218Ala (NM_001146289.2, NM_001243246.2); short protein forms E218A.
Identifiers: ClinVar variation 1434354 (VCV001434354.6), dbSNP rs753716259, ClinGen allele CA802100.